The following is an entry in ClinVar:

ClinVar aggregate classification (germline): Uncertain significance. Review status: criteria provided, multiple submitters, no conflicts (2 of 4 stars). 4 submissions from 3 submitters: Uncertain significance (4). Last evaluated 2023-06-10.

Conditions:
Primary failure of tooth eruption. Also called: DENTAL NONERUPTION; PRIMARY RETENTION OF TEETH; UNERUPTED SECOND PRIMARY MOLAR; POSTERIOR OPENBITE MALOCCLUSION, FAMILIAL. Identifiers: Orphanet 412206, MedGen C1852222, MONDO:0007434, OMIM 125350.
Metaphyseal chondrodysplasia, Jansen type. Also called: Metaphyseal chondrodysplasia Murk Jansen type; PTH1R-Related Jansen Metaphyseal Chondrodysplasia. Identifiers: Orphanet 33067, MedGen C0265295, MONDO:0007982, OMIM 156400.
Chondrodysplasia Blomstrand type (BOCD). Identifiers: Orphanet 50945, MedGen C1859148, MONDO:0008970, OMIM 215045.
Eiken syndrome (EKNS). Also called: BONE MODELING DEFECT OF HANDS AND FEET. Identifiers: Orphanet 79106, MedGen C1838779, MONDO:0010803, OMIM 600002.

Allele frequency attached by ClinVar (database versions not stated): gnomAD 0.00001; gnomAD exomes 0.00001; TOPMed 0.00001.
gnomAD v4.1: 9 of 1,611,680 alleles (0.00056%); highest among the groups gnomAD compares: Admixed American, 0.0033%; no homozygotes.

Submissions (4):

Labcorp Genetics (formerly Invitae), Labcorp
Classification: Uncertain significance. Last evaluated: 2023-06-10. Review status: criteria provided, single submitter. Criteria: Invitae Variant Classification Sherloc (09022015). Collection method: clinical testing. Allele origin: germline.
Comment: Advanced modeling of protein sequence and biophysical properties (such as structural, functional, and spatial information, amino acid conservation, physicochemical variation, residue mobility, and thermodynamic stability) performed at Invitae indicates that this missense variant is not expected to disrupt PTH1R protein function. ClinVar contains an entry for this variant (Variation ID: 900573). This variant has not been reported in the literature in individuals affected with PTH1R-related conditions. This variant is not present in population databases (gnomAD no frequency). This sequence change replaces methionine, which is neutral and non-polar, with valine, which is neutral and non-polar, at codon 231 of the PTH1R protein (p.Met231Val). In summary, the available evidence is currently insufficient to determine the role of this variant in disease. Therefore, it has been classified as a Variant of Uncertain Significance.

Fulgent Genetics
Classification: Uncertain significance for Primary failure of tooth eruption; Metaphyseal chondrodysplasia, Jansen type; Chondrodysplasia Blomstrand type; Eiken syndrome. Last evaluated: 2022-02-03. Review status: criteria provided, single submitter. Criteria: ACMG Guidelines, 2015. Collection method: clinical testing. Allele origin: unknown.

Illumina Laboratory Services, Illumina
Classification: Uncertain significance for Metaphyseal chondrodysplasia, Jansen type. Last evaluated: 2017-04-28. Review status: criteria provided, single submitter. Criteria: ICSL Variant Classification Criteria 13 December 2019. Collection method: clinical testing. Allele origin: germline.

Illumina Laboratory Services, Illumina
Classification: Uncertain significance for Chondrodysplasia Blomstrand type. Last evaluated: 2017-04-28. Review status: criteria provided, single submitter. Criteria: ICSL Variant Classification Criteria 13 December 2019. Collection method: clinical testing. Allele origin: germline.

NM_000316.3(PTH1R):c.691A>G (p.Met231Val)

Gene: PTH1R (parathyroid hormone 1 receptor; plus strand). Cytogenetic location: 3p21.31.
Variant type: single nucleotide variant.
Coding change: c.691A>G on transcript NM_000316.3 (MANE Select); coding-DNA position 691, A replaced by G.
Protein change: p.Met231Val; replaces methionine 231 with valine.
Molecular consequence: missense variant.
Genome position (GRCh38, 1-based): chr3:46,898,714, A>G. VCF-style: chr3-46898714-A-G. GRCh37 (hg19) VCF-style: chr3-46940204-A-G.
Other names: c.691A>G, p.Met231Val (NM_001184744.1); short protein forms M231V.
Identifiers: ClinVar variation 900573 (VCV000900573.8), dbSNP rs1353904110, ClinGen allele CA352496460.